The following is an entry in ClinVar:

NM_006721.4(ADK):c.741T>A (p.Phe247Leu)

Gene: ADK (adenosine kinase; plus strand). Cytogenetic location: 10q22.2.
Variant type: single nucleotide variant.
Coding change: c.741T>A on transcript NM_006721.4 (MANE Select); coding-DNA position 741, T replaced by A.
Protein change: p.Phe247Leu; replaces phenylalanine 247 with leucine.
Molecular consequence: missense variant.
Genome position (GRCh38, 1-based): chr10:74,589,296, T>A. VCF-style: chr10-74589296-T-A. GRCh37 (hg19) VCF-style: chr10-76349054-T-A.
Other names: c.690T>A, p.Phe230Leu (NM_001123.4); c.636T>A, p.Phe212Leu (NM_001202449.2); c.570T>A, p.Phe190Leu (NM_001202450.2); c.741T>A, p.Phe247Leu (NM_001369123.1); c.519T>A, p.Phe173Leu (NM_001369124.1); short protein forms F247L, F173L, F230L, F212L, F190L.
Identifiers: ClinVar variation 191003 (VCV000191003.2), dbSNP rs786205458, ClinGen allele CA235796.

ClinVar aggregate classification (germline): Conflicting classifications of pathogenicity. Review status: criteria provided, conflicting classifications (1 of 4 stars). 2 submissions from 2 submitters: Likely pathogenic (1); Uncertain significance (1). Last evaluated 2019-12-24.

Conditions:
Adenosine kinase deficiency. Also called: MENTAL RETARDATION, AUTOSOMAL RECESSIVE 8; Hypermethioninemia due to adenosine kinase deficiency. Identifiers: Orphanet 289290, Orphanet 88616, MedGen C4706555, MONDO:0100255, OMIM 614300.

Submissions (2):

Baylor Genetics
Classification: Uncertain significance for Adenosine kinase deficiency. Last evaluated: 2019-12-24. Review status: criteria provided, single submitter. Criteria: ACMG Guidelines, 2015. Collection method: clinical testing. Allele origin: unknown. Affected: yes.
Comment: This variant was determined to be of uncertain significance according to ACMG Guidelines, 2015 [PMID:25741868].

Genomic Medicine Center of Excellence, King Faisal Specialist Hospital and Research Centre
Classification: Likely pathogenic. Review status: criteria provided, single submitter. Criteria: ACMG Guidelines, 2015. Collection method: research. Allele origin: germline. Affected: yes.